The following is an entry in ClinVar:

ClinVar aggregate classification (germline): Benign. Review status: criteria provided, multiple submitters, no conflicts (2 of 4 stars). 4 submissions from 3 submitters: Benign (4). Last evaluated 2021-12-05.

Conditions:
Hereditary spastic paraplegia 51. Also called: CEREBRAL PALSY, SPASTIC QUADRIPLEGIC, 4; Spastic paraplegia 51, autosomal recessive. Identifiers: Orphanet 280763, MedGen C3151056, MONDO:0013401, OMIM 613744.
Stuttering, familial persistent, 1. Also called: STAMMERING. Identifiers: MedGen C3489627, MONDO:0008483, OMIM 184450.

Allele frequency attached by ClinVar (database versions not stated): ESP Exome Variant Server 0.19548; 1000 Genomes Project 30x 0.20237; TOPMed 0.20295; gnomAD 0.20641 and 0.20717; 1000 Genomes Project 0.20827; gnomAD exomes 0.23017; ExAC 0.23156.
gnomAD v4.1: 384,154 of 1,610,604 alleles (24%); highest among the groups gnomAD compares: East Asian, 41%; 48,587 homozygotes.

Submissions (4):

Genome-Nilou Lab
Classification: Benign for Hereditary spastic paraplegia 51. Last evaluated: 2021-12-05. Review status: criteria provided, single submitter. Criteria: ACMG Guidelines, 2015. Collection method: clinical testing. Allele origin: germline. Affected: no.

Genome-Nilou Lab
Classification: Benign for Stuttering, familial persistent, 1. Last evaluated: 2021-12-05. Review status: criteria provided, single submitter. Criteria: ACMG Guidelines, 2015. Collection method: clinical testing. Allele origin: germline. Affected: no.

GeneDx
Classification: Benign. Last evaluated: 2018-06-14. Review status: criteria provided, single submitter. Criteria: GeneDx Variant Classification (06012015). Collection method: clinical testing. Allele origin: germline. Affected: yes.
Comment: This variant is considered likely benign or benign based on one or more of the following criteria: it is a conservative change, it occurs at a poorly conserved position in the protein, it is predicted to be benign by multiple in silico algorithms, and/or has population frequency not consistent with disease.

Breakthrough Genomics
Classification: Benign. Review status: criteria provided, single submitter. Criteria: ACMG Guidelines, 2015. Collection method: not provided. Allele origin: germline. Inheritance: Autosomal recessive inheritance. Affected: yes.

NM_007347.5(AP4E1):c.1066+51T>C

Gene: AP4E1 (adaptor related protein complex 4 subunit epsilon 1; plus strand). Cytogenetic location: 15q21.2.
Variant type: single nucleotide variant.
Coding change: c.1066+51T>C on transcript NM_007347.5 (MANE Select); 51 bases into the intron after coding-DNA position 1066, T replaced by C.
Molecular consequence: intron variant.
Genome position (GRCh38, 1-based): chr15:50,941,615, T>C. VCF-style: chr15-50941615-T-C. GRCh37 (hg19) VCF-style: chr15-51233812-T-C.
Other names: c.841+51T>C (NM_001252127.2).
Identifiers: ClinVar variation 678150 (VCV000678150.3), dbSNP rs2291107, ClinGen allele CA7558963.
Genomic context (GRCh38, chr15:50,941,615, plus strand): 5'-AAATATTTAGGTAAGATGATTGGTTCTTTTGACAGAAATTACAGAGATAGCTTTTGAAAT[T>C]TGCTGTGTATTTGTTTCAATTCACTTTGTATAATGTGTCTTTGTTTCTAGGACTGAAGGC-3'